The following is an entry in ClinVar:

NM_001184.4(ATR):c.7356TAG[3] (p.Ser2453dup)

Gene: ATR (ATR checkpoint kinase; minus strand). Cytogenetic location: 3q23.
Variant type: Microsatellite.
Coding change: c.7356TAG[3] on transcript NM_001184.4 (MANE Select); three copies in a row of the 3-base unit TAG starting at c.7356; the reference has two copies in a row; one copy, 3 bases duplicated.
Protein change: p.Ser2453dup; duplicates serine 2453.
Molecular consequence: inframe insertion.
Genome position (GRCh38, 1-based): chr3:142,459,100-142,459,102, CTA duplicated on the plus strand (TAG on the coding strand, the reverse complement: ATR is on the minus strand); duplicating any 3 consecutive bases within chr3:142,459,100-142,459,107 gives the same sequence; the position shown is the placement nearest the transcript's 3' end. VCF-style (leftmost placement, unchanged base first): chr3-142459099-T-TCTA. GRCh37 (hg19) VCF-style: chr3-142177941-T-TCTA.
Other names: c.7164TAG[3], p.Ser2389dup (NM_001354579.2).
Identifiers: ClinVar variation 343583 (VCV000343583.14), dbSNP rs756975919, ClinGen allele CA2649143.

ClinVar aggregate classification (germline): Uncertain significance. Review status: criteria provided, multiple submitters, no conflicts (2 of 4 stars). 3 submissions from 2 submitters: Uncertain significance (3). Last evaluated 2026-02-04.

Conditions:
Seckel syndrome 1 (SCKL1). Also called: MICROCEPHALIC PRIMORDIAL DWARFISM I. Identifiers: Orphanet 808, MedGen C4551474, MONDO:0008869, OMIM 210600.
Familial cutaneous telangiectasia and oropharyngeal predisposition cancer syndrome. Identifiers: Orphanet 313846, MedGen C3281203, MONDO:0013806, OMIM 614564.

Submissions (3):

Labcorp Genetics (formerly Invitae), Labcorp
Classification: Uncertain significance. Last evaluated: 2026-02-04. Review status: criteria provided, single submitter. Criteria: Invitae Variant Classification Sherloc (09022015). Collection method: clinical testing. Allele origin: germline.
Comment: This variant, c.7359_7361dup, results in the insertion of 1 amino acid(s) of the ATR protein (p.Ser2453dup), but otherwise preserves the integrity of the reading frame. This variant is present in population databases (rs756975919, gnomAD 0.0009%). This variant has not been reported in the literature in individuals affected with ATR-related conditions. Experimental studies and prediction algorithms are not available or were not evaluated, and the functional significance of this variant is currently unknown. In summary, the available evidence is currently insufficient to determine the role of this variant in disease. Therefore, it has been classified as a Variant of Uncertain Significance.

Genome-Nilou Lab
Classification: Uncertain significance for Seckel syndrome 1. Last evaluated: 2023-02-08. Review status: criteria provided, single submitter. Criteria: ACMG Guidelines, 2015. Collection method: clinical testing. Allele origin: germline.

Genome-Nilou Lab
Classification: Uncertain significance for Familial cutaneous telangiectasia and oropharyngeal predisposition cancer syndrome. Last evaluated: 2023-02-08. Review status: criteria provided, single submitter. Criteria: ACMG Guidelines, 2015. Collection method: clinical testing. Allele origin: germline.